The following is an entry in ClinVar:

NM_003673.4(TCAP):c.453A>C (p.Ala151=)

Gene: TCAP (titin-cap; plus strand). Cytogenetic location: 17q12.
Variant type: single nucleotide variant.
Coding change: c.453A>C on transcript NM_003673.4 (MANE Select); coding-DNA position 453, A replaced by C.
Protein change: p.Ala151=; no amino-acid change (alanine 151 retained).
Molecular consequence: synonymous variant.
Genome position (GRCh38, 1-based): chr17:39,666,058, A>C. VCF-style: chr17-39666058-A-C. GRCh37 (hg19) VCF-style: chr17-37822311-A-C.
Other names: p.A151A:GCA>GCC; p.Ala151=.
Identifiers: ClinVar variation 44709 (VCV000044709.46), dbSNP rs1053651, ClinGen allele CA282451.
Genomic context (GRCh38, chr17:39,666,058, plus strand): 5'-GGAGGTGGCTGAGATCACAAAGCAGCTGCCCCCTGTGGTGCCTGTCAGCAAGCCCGGTGC[A>C]CTTCGTCGCTCCCTGTCCCGCTCCATGTCCCAGGAAGCACAGAGAGGCTGAGAGGGACTG-3'
Protein context (NP_003664.1, residues 141-161): PPVVPVSKPG[Ala151=]LRRSLSRSMS

ClinVar aggregate classification (germline): Benign. Review status: criteria provided, multiple submitters, no conflicts (2 of 4 stars). 19 submissions from 17 submitters: Benign (14). 5 of the submissions do not count toward it. Last evaluated 2026-02-04.

Conditions:
Hypertrophic cardiomyopathy 25 (CMH25). Also called: CARDIOMYOPATHY, FAMILIAL HYPERTROPHIC, 25. Identifiers: MedGen C4225408, MONDO:0011843, OMIM 607487.
Primary familial hypertrophic cardiomyopathy (HCM). Identifiers: Orphanet 99739, MedGen C0949658, MeSH D024741, MONDO:0024573. Inheritance: Various modes of inheritance.
Cardiovascular phenotype. Identifiers: MedGen CN230736.
Autosomal recessive limb-girdle muscular dystrophy type 2G (LGMDR7). Also called: Telethoninopathy; MUSCULAR DYSTROPHY, LIMB-GIRDLE, AUTOSOMAL RECESSIVE 7; Limb-girdle muscular dystrophy, type 2G. Identifiers: Orphanet 34514, MedGen C1866008, MONDO:0011170, OMIM 601954.

Allele frequency attached by ClinVar (database versions not stated): 1000 Genomes Project 30x 0.54357; 1000 Genomes Project 0.54972; TOPMed 0.59456; gnomAD 0.61044 and 0.61363; ESP Exome Variant Server 0.61834; gnomAD exomes 0.66755 and 0.71280; ExAC 0.67060.
gnomAD v4.1: 1,128,364 of 1,605,596 alleles (70%); highest among the groups gnomAD compares: South Asian, 75%; 402,445 homozygotes.

Submissions (19):

Labcorp Genetics (formerly Invitae), Labcorp
Classification: Benign for Hypertrophic cardiomyopathy 25; Primary familial hypertrophic cardiomyopathy. Last evaluated: 2026-02-04. Review status: criteria provided, single submitter. Criteria: Invitae Variant Classification Sherloc (09022015). Collection method: clinical testing. Allele origin: germline.

Blueprint Genetics
Classification: Benign. Last evaluated: 2024-11-28. Review status: criteria provided, single submitter. Criteria: ACMG Guidelines, 2015. Collection method: clinical testing. Allele origin: germline.

Genome-Nilou Lab
Classification: Benign for Hypertrophic cardiomyopathy 25. Last evaluated: 2021-07-15. Review status: criteria provided, single submitter. Criteria: ACMG Guidelines, 2015. Collection method: clinical testing. Allele origin: germline. Affected: no.

Genome-Nilou Lab
Classification: Benign for Autosomal recessive limb-girdle muscular dystrophy type 2G. Last evaluated: 2021-07-15. Review status: criteria provided, single submitter. Criteria: ACMG Guidelines, 2015. Collection method: clinical testing. Allele origin: germline. Affected: no.

Illumina Laboratory Services, Illumina
Classification: Benign for Autosomal recessive limb-girdle muscular dystrophy type 2G. Last evaluated: 2018-01-12. Review status: criteria provided, single submitter. Criteria: ICSL Variant Classification Criteria 13 December 2019. Collection method: clinical testing. Allele origin: germline.
Comment: This variant was observed in the ICSL laboratory as part of a predisposition screen in an ostensibly healthy population. It had not been previously curated by ICSL or reported in the Human Gene Mutation Database (HGMD: prior to June 1st, 2018), and was therefore a candidate for classification through an automated scoring system. Utilizing variant allele frequency, disease prevalence and penetrance estimates, and inheritance mode, an automated score was calculated to assess if this variant is too frequent to cause the disease. Based on the score and internal cut-off values, a variant classified as benign is not then subjected to further curation. The score for this variant resulted in a classification of benign for this disease.

Illumina Laboratory Services, Illumina
Classification: Benign for Cardiomyopathy, Dilated, 1N. Last evaluated: 2018-01-12. Review status: criteria provided, single submitter. Criteria: ICSL Variant Classification Criteria 13 December 2019. Collection method: clinical testing. Allele origin: germline.
Comment: the same text as in the submission from Illumina Laboratory Services, Illumina above.

Mayo Clinic Laboratories, Mayo Clinic
Classification: Benign. Last evaluated: 2017-07-18. Review status: criteria provided, single submitter. Criteria: ACMG Guidelines, 2015. Collection method: clinical testing. Allele origin: germline. Observed: 2,061 variant alleles.

Eurofins Ntd Llc (ga)
Classification: Benign. Last evaluated: 2015-12-14. Review status: criteria provided, single submitter. Criteria: EGL Classification Definitions 2015. Collection method: clinical testing. Allele origin: germline. Observed: 86 variant alleles, 39 heterozygotes, 47 homozygotes.

Ambry Genetics
Classification: Benign for Cardiovascular phenotype. Last evaluated: 2015-06-12. Review status: criteria provided, single submitter. Criteria: Ambry Variant Classification Scheme 2023. Collection method: clinical testing. Allele origin: germline.

Genetic Services Laboratory, University of Chicago
Classification: Benign for AllHighlyPenetrant. Last evaluated: 2013-08-15. Review status: criteria provided, single submitter. Criteria: ACMG Guidelines, 2007. Collection method: clinical testing. Allele origin: germline. Inheritance: Autosomal recessive inheritance.

GeneDx
Classification: Benign. Last evaluated: 2012-10-31. Review status: criteria provided, single submitter. Criteria: GeneDx Variant Classification (06012015). Collection method: clinical testing. Allele origin: germline. Affected: yes.
Comment: This variant is considered likely benign or benign based on one or more of the following criteria: it is a conservative change, it occurs at a poorly conserved position in the protein, it is predicted to be benign by multiple in silico algorithms, and/or has population frequency not consistent with disease.

Laboratory for Molecular Medicine, Mass General Brigham Personalized Medicine
Classification: Benign. Last evaluated: 2011-07-20. Review status: criteria provided, single submitter. Criteria: LMM Criteria. Collection method: clinical testing. Allele origin: germline. Observed: 1,672 variant alleles.

Breakthrough Genomics
Classification: Benign. Review status: criteria provided, single submitter. Criteria: ACMG Guidelines, 2015. Collection method: not provided. Allele origin: germline. Inheritance: Autosomal recessive inheritance. Affected: yes.

PreventionGenetics, part of Exact Sciences
Classification: Benign. Review status: criteria provided, single submitter. Criteria: ACMG Guidelines, 2015. Collection method: clinical testing. Allele origin: germline.

Clinical Genetics DNA and cytogenetics Diagnostics Lab, Erasmus MC, Erasmus Medical Center
Classification: Benign. Review status: no assertion criteria provided. Collection method: clinical testing. Allele origin: germline. Affected: yes. Study: VKGL Data-share Consensus. Not counted in ClinVar's aggregate classification.

Clinical Genetics, Academic Medical Center
Classification: Benign. Review status: no assertion criteria provided. Collection method: clinical testing. Allele origin: germline. Affected: yes. Study: VKGL Data-share Consensus. Not counted in ClinVar's aggregate classification.

Diagnostic Laboratory, Department of Genetics, University Medical Center Groningen
Classification: Benign. Review status: no assertion criteria provided. Collection method: clinical testing. Allele origin: germline. Affected: yes. Study: VKGL Data-share Consensus. Not counted in ClinVar's aggregate classification.

Genome Diagnostics Laboratory, University Medical Center Utrecht
Classification: Benign. Review status: no assertion criteria provided. Collection method: clinical testing. Allele origin: germline. Affected: yes. Study: VKGL Data-share Consensus. Not counted in ClinVar's aggregate classification.

Joint Genome Diagnostic Labs from Nijmegen and Maastricht, Radboudumc and MUMC+
Classification: Benign. Review status: no assertion criteria provided. Collection method: clinical testing. Allele origin: germline. Affected: yes. Study: VKGL Data-share Consensus. Not counted in ClinVar's aggregate classification.